The following is an entry in ClinVar:

ClinVar aggregate classification (germline): Uncertain significance (1 of 4 stars; one submission).

Submission:

Labcorp Genetics (formerly Invitae), Labcorp
Classification: Uncertain significance. Last evaluated: 2023-10-17. Review status: criteria provided, single submitter. Criteria: Invitae Variant Classification Sherloc (09022015). Collection method: clinical testing. Allele origin: unknown.
Comment: A copy number gain of the genomic region encompassing the full coding sequence of the LZTS1 gene has been identified. The boundaries of this event are unknown as they extend beyond the assayed region for this gene and therefore may encompass additional genes. As the precise location of this event is unknown, it may be in tandem or it may be located elsewhere in the genome. This variant has not been reported in the literature in individuals affected with LZTS1-related conditions. In summary, the available evidence is currently insufficient to determine the role of this variant in disease. Therefore, it has been classified as a Variant of Uncertain Significance.

NC_000008.10:g.(?_20107233)_(20112692_?)dup

Gene: LZTS1 (leucine zipper tumor suppressor 1; minus strand). Cytogenetic location: 8p21.3.
Variant type: Duplication.
Identifiers: ClinVar variation 3245593 (VCV003245593.1).